The following is an entry in ClinVar:

ClinVar aggregate classification (germline): Uncertain significance. Review status: criteria provided, multiple submitters, no conflicts (2 of 4 stars). 2 submissions from 2 submitters: Uncertain significance (2). Last evaluated 2024-07-25.

Conditions:
Episodic ataxia type 2 (EA2). Also called: EPISODIC ATAXIA, NYSTAGMUS-ASSOCIATED; ATAXIA, EPISODIC, WITH NYSTAGMUS; ATAXIA, FAMILIAL PAROXYSMAL; CEREBELLAR ATAXIA, PAROXYSMAL, ACETAZOLAMIDE-RESPONSIVE; CEREBELLOPATHY, HEREDITARY PAROXYSMAL; ACETAZOLAMIDE-RESPONSIVE HEREDITARY PAROXYSMAL CEREBELLAR ATAXIA. Identifiers: Orphanet 97, MedGen C1720416, MONDO:0007163, OMIM 108500.
Developmental and epileptic encephalopathy, 42 (DEE42A). Also called: Epileptic encephalopathy, early infantile, 42; DEVELOPMENTAL AND EPILEPTIC ENCEPHALOPATHY 42A; EPILEPTIC ENCEPHALOPATHY, EARLY INFANTILE, 42A. Identifiers: MedGen C4310716, MONDO:0014917, OMIM 617106.

Allele frequency attached by ClinVar (database versions not stated): gnomAD exomes below 0.00001.
gnomAD v4.1: 2 of 1,613,752 alleles (0.00012%); highest among the groups gnomAD compares: Middle Eastern, 0.017%; no homozygotes.

Submissions (2):

Labcorp Genetics (formerly Invitae), Labcorp
Classification: Uncertain significance for Developmental and epileptic encephalopathy, 42; Episodic ataxia type 2. Last evaluated: 2024-07-25. Review status: criteria provided, single submitter. Criteria: Invitae Variant Classification Sherloc (09022015). Collection method: clinical testing. Allele origin: germline.
Comment: This sequence change replaces methionine, which is neutral and non-polar, with valine, which is neutral and non-polar, at codon 483 of the CACNA1A protein (p.Met483Val). This variant is not present in population databases (gnomAD no frequency). This variant has not been reported in the literature in individuals affected with CACNA1A-related conditions. ClinVar contains an entry for this variant (Variation ID: 542831). Advanced modeling of protein sequence and biophysical properties (such as structural, functional, and spatial information, amino acid conservation, physicochemical variation, residue mobility, and thermodynamic stability) has been performed at Invitae for this missense variant, however the output from this modeling did not meet the statistical confidence thresholds required to predict the impact of this variant on CACNA1A protein function. In summary, the available evidence is currently insufficient to determine the role of this variant in disease. Therefore, it has been classified as a Variant of Uncertain Significance.

GeneDx
Classification: Uncertain significance. Last evaluated: 2019-03-29. Review status: criteria provided, single submitter. Criteria: GeneDx Variant Classification Process June 2021. Collection method: clinical testing. Allele origin: germline. Affected: yes.
Comment: Not observed in large population cohorts (Lek et al., 2016); In silico analysis, which includes protein predictors and evolutionary conservation, supports a deleterious effect; Has not been previously published as pathogenic or benign to our knowledge; This variant is associated with the following publications: (PMID: 30679323)

NM_001127222.2(CACNA1A):c.1444A>G (p.Met482Val)

Gene: CACNA1A (calcium voltage-gated channel subunit alpha1 A; minus strand). Cytogenetic location: 19p13.13.
Variant type: single nucleotide variant.
Coding change: c.1444A>G on transcript NM_001127222.2 (MANE Select); coding-DNA position 1444, A replaced by G.
Protein change: p.Met482Val; replaces methionine 482 with valine.
Molecular consequence: missense variant.
Genome position (GRCh38, 1-based): chr19:13,317,223, T>C on the plus strand (A>G on the coding strand, the complement: CACNA1A is on the minus strand). VCF-style: chr19-13317223-T-C. GRCh37 (hg19) VCF-style: chr19-13428037-T-C.
Other names: c.1447A>G, p.Met483Val (NM_000068.4, NM_001127221.2, NM_001174080.2 and 1 more transcripts); short protein forms M483V, M482V.
Identifiers: ClinVar variation 542831 (VCV000542831.14), dbSNP rs1555762900, ClinGen allele CA404345797.
Genomic context (GRCh38, chr19:13,317,223, plus strand): 5'-ACAGCGTGTTGAGAGCTACCAAACTGAGTACAGTCCAGTAGAAGGCCTGAGTTTTGACCA[T>C]GCGGCGGATGTAGAAACGCATCCTCCTCTCCTTTTTGTGAAAAAAGGTCGAGTTCTCCAG-3'
Protein context (NP_001120694.1, residues 472-492): ERRMRFYIRR[Met482Val]VKTQAFYWTV